The following is an entry in ClinVar:

ClinVar aggregate classification (germline): Benign/Likely benign. Review status: criteria provided, multiple submitters, no conflicts (2 of 4 stars). 5 submissions from 5 submitters: Benign (1); Likely benign (4). Last evaluated 2026-09-01.

Conditions:
Cayman type cerebellar ataxia. Also called: Cayman ataxia. Identifiers: Orphanet 94122, MedGen C1832585, MONDO:0011025, OMIM 601238.

Allele frequency attached by ClinVar (database versions not stated): gnomAD 0.00031 and 0.00047; TOPMed 0.00040; 1000 Genomes Project 0.00060; 1000 Genomes Project 30x 0.00062; ESP Exome Variant Server 0.00072; gnomAD exomes 0.00083 and 0.00127; ExAC 0.00140.
gnomAD v4.1: 1,322 of 1,613,982 alleles (0.082%); highest among the groups gnomAD compares: Middle Eastern, 1.6%; 14 homozygotes.

Submissions (5):

CeGaT Center for Human Genetics Tuebingen
Classification: Likely benign. Last evaluated: 2026-09-01. Review status: criteria provided, single submitter. Criteria: CeGaT Center For Human Genetics Tuebingen Variant Classification Criteria Version 2. Collection method: clinical testing. Allele origin: germline. Affected: yes. Observed: 3 variant alleles.
Comment: ATCAY: BP4, BP7

Mayo Clinic Laboratories, Mayo Clinic
Classification: Likely benign. Last evaluated: 2025-11-01. Review status: criteria provided, single submitter. Criteria: ACMG Guidelines, 2015. Collection method: clinical testing. Allele origin: germline. Observed: 1 variant allele.
Comment: BP4, BP7

Labcorp Genetics (formerly Invitae), Labcorp
Classification: Benign. Last evaluated: 2019-12-31. Review status: criteria provided, single submitter. Criteria: Invitae Variant Classification Sherloc (09022015). Collection method: clinical testing. Allele origin: germline.

Illumina Laboratory Services, Illumina
Classification: Likely benign for Cayman type cerebellar ataxia. Last evaluated: 2018-01-12. Review status: criteria provided, single submitter. Criteria: ICSL Variant Classification Criteria 13 December 2019. Collection method: clinical testing. Allele origin: germline.
Comment: This variant was observed in the ICSL laboratory as part of a predisposition screen in an ostensibly healthy population. It had not been previously curated by ICSL or reported in the Human Gene Mutation Database (HGMD: prior to June 1st, 2018), and was therefore a candidate for classification through an automated scoring system. Utilizing variant allele frequency, disease prevalence and penetrance estimates, and inheritance mode, an automated score was calculated to assess if this variant is too frequent to cause the disease. Based on the score and internal cut-off values, a variant classified as likely benign is not then subjected to further curation. The score for this variant resulted in a classification of likely benign for this disease.

Breakthrough Genomics
Classification: Likely benign. Review status: criteria provided, single submitter. Criteria: ACMG Guidelines, 2015. Collection method: not provided. Allele origin: germline. Inheritance: Autosomal recessive inheritance. Affected: yes.

NM_033064.5(ATCAY):c.426G>A (p.Thr142=)

Gene: ATCAY (ATCAY kinesin light chain interacting caytaxin; plus strand). Cytogenetic location: 19p13.3.
Variant type: single nucleotide variant.
Coding change: c.426G>A on transcript NM_033064.5 (MANE Select); coding-DNA position 426, G replaced by A.
Protein change: p.Thr142=; no amino-acid change (threonine 142 retained).
Molecular consequence: synonymous variant.
Genome position (GRCh38, 1-based): chr19:3,907,801, G>A. VCF-style: chr19-3907801-G-A. GRCh37 (hg19) VCF-style: chr19-3907799-G-A.
Other names: p.Thr142=.
Identifiers: ClinVar variation 788138 (VCV000788138.42), dbSNP rs373080859, ClinGen allele CA9087171.
Genomic context (GRCh38, chr19:3,907,801, plus strand): 5'-CCCCGTGGCCACCGCCAAGAACATGCCCGGGGACAGCGCGGATCTATTTGGGGACGGCAC[G>A]ACGGAGGACGGCAGCGCCGCCAACGGGCGCCTGTGGCGGACAGTGATCATCGGGGAGCAA-3'
Protein context (NP_149053.1, residues 132-152): GDSADLFGDG[Thr142=]TEDGSAANGR